The following is an entry in ClinVar:

ClinVar aggregate classification (germline): Uncertain significance. Review status: criteria provided, multiple submitters, no conflicts (2 of 4 stars). 2 submissions from 2 submitters: Uncertain significance (2). Last evaluated 2018-10-23.

Conditions:
Charcot-Marie-Tooth disease type 4A. Also called: Charcot-Marie-Tooth disease, demyelinating, autosomal recessive, type 4a. Identifiers: Orphanet 99948, MedGen C1859198, MONDO:0008961, OMIM 214400.

Allele frequency attached by ClinVar (database versions not stated): gnomAD exomes 0.00001.

Submissions (2):

Blueprint Genetics
Classification: Uncertain significance. Last evaluated: 2018-10-23. Review status: criteria provided, single submitter. Criteria: ACMG Guidelines, 2015. Collection method: clinical testing. Allele origin: germline.

Labcorp Genetics (formerly Invitae), Labcorp
Classification: Uncertain significance for Charcot-Marie-Tooth disease type 4A. Last evaluated: 2017-02-24. Review status: criteria provided, single submitter. Criteria: Invitae Variant Classification Sherloc (09022015). Collection method: clinical testing. Allele origin: germline.
Comment: Algorithms developed to predict the effect of missense changes on protein structure and function do not agree on the potential impact of this missense change (SIFT: "Tolerated"; PolyPhen-2: "Probably Damaging"; Align-GVGD: "Class C0"). In summary, this variant is a novel missense change with uncertain impact on protein function. It has been classified as a Variant of Uncertain Significance. This variant is not present in population databases (ExAC no frequency) and has not been reported in the literature in individuals with a GDAP1-related disease. This sequence change replaces aspartic acid with asparagine at codon 129 of the GDAP1 protein (p.Asp129Asn). The aspartic acid residue is highly conserved and there is a small physicochemical difference between aspartic acid and asparagine.

NM_018972.4(GDAP1):c.385G>A (p.Asp129Asn)

Gene: GDAP1 (ganglioside induced differentiation associated protein 1; plus strand). Cytogenetic location: 8q21.11.
Variant type: single nucleotide variant.
Coding change: c.385G>A on transcript NM_018972.4 (MANE Select); coding-DNA position 385, G replaced by A.
Protein change: p.Asp129Asn; replaces aspartic acid 129 with asparagine.
Molecular consequence: missense variant. On other transcripts: intron variant (1).
Genome position (GRCh38, 1-based): chr8:74,360,211, G>A. VCF-style: chr8-74360211-G-A. GRCh37 (hg19) VCF-style: chr8-75272446-G-A.
Other names: c.181G>A, p.Asp61Asn (NM_001040875.4); c.58G>A, p.Asp20Asn (NM_001362929.2, NM_001362932.2); c.385G>A, p.Asp129Asn (NM_001362931.2); c.311-1673G>A (NM_001362930.2); short protein forms D129N, D20N, D61N.
Identifiers: ClinVar variation 467760 (VCV000467760.9), dbSNP rs1279013936, ClinGen allele CA371548590.